The following is an entry in ClinVar:

ClinVar aggregate classification (germline): Conflicting classifications of pathogenicity. Review status: criteria provided, conflicting classifications (1 of 4 stars). 4 submissions from 4 submitters: Uncertain significance (3); Likely benign (1). Last evaluated 2023-12-28.

Conditions:
Hereditary cancer-predisposing syndrome. Also called: Tumor predisposition; Neoplastic Syndromes, Hereditary; Hereditary neoplastic syndrome; Hereditary Cancer Syndrome. Identifiers: Orphanet 140162, MedGen C0027672, MeSH D009386, MONDO:0015356.
Hereditary breast ovarian cancer syndrome. Also called: Hereditary breast and ovarian cancer; Hereditary breast and ovarian cancer syndrome (HBOC); Breast and ovarian cancer; Hereditary breast and ovarian cancer syndrome; BRCA1- and BRCA2-Associated Hereditary Breast and Ovarian Cancer; Hereditary breast and/or ovarian cancer syndrome. Identifiers: Orphanet 145, MedGen C0677776, MeSH D061325, MONDO:0003582. Disease mechanism: loss of function.

Submissions (4):

Labcorp Genetics (formerly Invitae), Labcorp
Classification: Uncertain significance for Hereditary breast ovarian cancer syndrome. Last evaluated: 2023-12-28. Review status: criteria provided, single submitter. Criteria: Invitae Variant Classification Sherloc (09022015). Collection method: clinical testing. Allele origin: germline.
Comment: This sequence change replaces glutamic acid, which is acidic and polar, with alanine, which is neutral and non-polar, at codon 1397 of the BRCA2 protein (p.Glu1397Ala). This variant is not present in population databases (gnomAD no frequency). This variant has not been reported in the literature in individuals affected with BRCA2-related conditions. ClinVar contains an entry for this variant (Variation ID: 632706). Advanced modeling of protein sequence and biophysical properties (such as structural, functional, and spatial information, amino acid conservation, physicochemical variation, residue mobility, and thermodynamic stability) performed at Invitae indicates that this missense variant is not expected to disrupt BRCA2 protein function with a negative predictive value of 95%. In summary, the available evidence is currently insufficient to determine the role of this variant in disease. Therefore, it has been classified as a Variant of Uncertain Significance.

University of Washington Department of Laboratory Medicine, University of Washington
Classification: Likely benign for Hereditary cancer-predisposing syndrome. Last evaluated: 2023-03-23. Review status: criteria provided, single submitter. Criteria: Dines et al. (Genet Med. 2020). Collection method: curation. Allele origin: germline.
Comment: Missense variant in a coldspot region where missense variants are very unlikely to be pathogenic (PMID:31911673).

BRCA2 exon 11 coldspot. Reclassification based on statistical prior probability.

Ambry Genetics
Classification: Uncertain significance for Hereditary cancer-predisposing syndrome. Last evaluated: 2019-09-17. Review status: criteria provided, single submitter. Criteria: Ambry Variant Classification Scheme 2023. Collection method: clinical testing. Allele origin: germline.
Comment: The p.E1397A variant (also known as c.4190A>C), located in coding exon 10 of the BRCA2 gene, results from an A to C substitution at nucleotide position 4190. The glutamic acid at codon 1397 is replaced by alanine, an amino acid with dissimilar properties. This amino acid position is well conserved in available vertebrate species. In addition, this alteration is predicted to be tolerated by in silico analysis. Since supporting evidence is limited at this time, the clinical significance of this alteration remains unclear.

Women's Health and Genetics/Laboratory Corporation of America, LabCorp
Classification: Uncertain significance. Last evaluated: 2018-04-12. Review status: criteria provided, single submitter. Criteria: LabCorp Variant Classification Summary - May 2015. Collection method: clinical testing. Allele origin: germline.
Comment: Variant summary: BRCA2 c.4190A>C (p.Glu1397Ala) results in a non-conservative amino acid change in the encoded protein sequence. Four of five in-silico tools predict a damaging effect of the variant on protein function. The variant was absent in 268150 control chromosomes. The available data on variant occurrences in the general population are insufficient to allow any conclusion about variant significance. To our knowledge, no occurrence of c.4190A>C in individuals affected with Hereditary Breast and Ovarian Cancer and no experimental evidence demonstrating its impact on protein function have been reported. No clinical diagnostic laboratories have submitted clinical-significance assessments for this variant to ClinVar after 2014. Based on the evidence outlined above, the variant was classified as uncertain significance.

NM_000059.4(BRCA2):c.4190A>C (p.Glu1397Ala)

Gene: BRCA2 (BRCA2 DNA repair associated; plus strand). Cytogenetic location: 13q13.1.
Variant type: single nucleotide variant.
Coding change: c.4190A>C on transcript NM_000059.4 (MANE Select); coding-DNA position 4190, A replaced by C.
Protein change: p.Glu1397Ala; replaces glutamic acid 1397 with alanine.
Molecular consequence: missense variant.
Genome position (GRCh38, 1-based): chr13:32,338,545, A>C. VCF-style: chr13-32338545-A-C. GRCh37 (hg19) VCF-style: chr13-32912682-A-C.
Other names: short protein forms E1397A.
Identifiers: ClinVar variation 632706 (VCV000632706.8), dbSNP rs1566229868, ClinGen allele CA387780164.